The following is an entry in ClinVar:

NM_004006.3(DMD):c.5450A>G (p.Asn1817Ser)

Gene: DMD (dystrophin; minus strand). Cytogenetic location: Xp21.1.
Variant type: single nucleotide variant.
Coding change: c.5450A>G on transcript NM_004006.3 (MANE Select); coding-DNA position 5450, A replaced by G.
Protein change: p.Asn1817Ser; replaces asparagine 1817 with serine.
Molecular consequence: missense variant.
Genome position (GRCh38, 1-based): chrX:32,346,079, T>C on the plus strand (A>G on the coding strand, the complement: DMD is on the minus strand). VCF-style: chrX-32346079-T-C. GRCh37 (hg19) VCF-style: chrX-32364196-T-C.
Other names: c.5426A>G, p.Asn1809Ser (NM_000109.4); c.5438A>G, p.Asn1813Ser (NM_004009.3); c.5081A>G, p.Asn1694Ser (NM_004010.3); c.1427A>G, p.Asn476Ser (NM_004011.4); c.1418A>G, p.Asn473Ser (NM_004012.4); short protein forms N1694S, N1813S, N1817S, N1809S, N473S, N476S.
Identifiers: ClinVar variation 2198802 (VCV002198802.2), dbSNP rs2521970176, ClinGen allele CA412667511.

ClinVar aggregate classification (germline): Conflicting classifications of pathogenicity. Review status: criteria provided, conflicting classifications (1 of 4 stars). 2 submissions from 2 submitters: Uncertain significance (1); Likely benign (1). Last evaluated 2026-06-09.

Conditions:
Cardiovascular phenotype. Identifiers: MedGen CN230736.
Duchenne muscular dystrophy (DMD). Also called: MUSCULAR DYSTROPHY, PSEUDOHYPERTROPHIC PROGRESSIVE, DUCHENNE TYPE; Duchenne Muscular Dystrophy (DMD). Identifiers: Orphanet 98896, MedGen C0013264, MONDO:0010679, OMIM 310200.

Submissions (2):

Ambry Genetics
Classification: Likely benign for Cardiovascular phenotype. Last evaluated: 2026-06-09. Review status: criteria provided, single submitter. Criteria: Ambry Variant Classification Scheme 2023. Collection method: clinical testing. Allele origin: germline.

Labcorp Genetics (formerly Invitae), Labcorp
Classification: Uncertain significance for Duchenne muscular dystrophy. Last evaluated: 2022-10-09. Review status: criteria provided, single submitter. Criteria: Invitae Variant Classification Sherloc (09022015). Collection method: clinical testing. Allele origin: germline.
Comment: This sequence change replaces asparagine, which is neutral and polar, with serine, which is neutral and polar, at codon 1817 of the DMD protein (p.Asn1817Ser). This variant is not present in population databases (gnomAD no frequency). This variant has not been reported in the literature in individuals affected with DMD-related conditions. Algorithms developed to predict the effect of missense changes on protein structure and function output the following: SIFT: "Tolerated"; PolyPhen-2: "Benign"; Align-GVGD: "Class C0". The serine amino acid residue is found in multiple mammalian species, which suggests that this missense change does not adversely affect protein function. In summary, the available evidence is currently insufficient to determine the role of this variant in disease. Therefore, it has been classified as a Variant of Uncertain Significance.